The following is an entry in ClinVar:

ClinVar aggregate classification (germline): Uncertain significance (1 of 4 stars; one submission).

gnomAD v4.1: 1 of 1,614,006 alleles (0.000062%); highest among the groups gnomAD compares: Non-Finnish European, 0.000085%; no homozygotes.

Submission:

GeneDx
Classification: Uncertain significance. Last evaluated: 2026-04-24. Review status: criteria provided, single submitter. Criteria: GeneDx Variant Classification Process June 2021. Collection method: clinical testing. Allele origin: germline.
Comment: Not observed at significant frequency in large population cohorts (gnomAD); In silico analysis supports that this missense variant has a deleterious effect on protein structure/function; Has not been previously published as pathogenic or benign to our knowledge

NM_003850.3(SUCLA2):c.461A>T (p.Gln154Leu)

Gene: SUCLA2 (succinate-CoA ligase ADP-forming subunit beta; minus strand). Cytogenetic location: 13q14.2.
Variant type: single nucleotide variant.
Coding change: c.461A>T on transcript NM_003850.3 (MANE Select); coding-DNA position 461, A replaced by T.
Protein change: p.Gln154Leu; replaces glutamine 154 with leucine.
Molecular consequence: missense variant.
Genome position (GRCh38, 1-based): chr13:47,988,614, T>A on the plus strand (A>T on the coding strand, the complement: SUCLA2 is on the minus strand). VCF-style: chr13-47988614-T-A. GRCh37 (hg19) VCF-style: chr13-48562749-T-A.
Other names: short protein forms Q154L.
Identifiers: ClinVar variation 5037501 (VCV005037501.1).